The following is an entry in ClinVar:

ClinVar aggregate classification (germline): Likely benign. Review status: criteria provided, multiple submitters, no conflicts (2 of 4 stars). 4 submissions from 4 submitters: Likely benign (4). Last evaluated 2025-09-25.

Conditions:
Ehlers-Danlos syndrome, dermatosparaxis type. Also called: EDS VIIC; Ehlers-Danlos syndrome, type VII, autosomal recessive; Dermatosparaxis. Identifiers: Orphanet 1901, MedGen C2700425, MONDO:0009161, OMIM 225410.

Allele frequency attached by ClinVar (database versions not stated): ExAC 0.00003; gnomAD exomes 0.00004 and 0.00010; ESP Exome Variant Server 0.00008; gnomAD 0.00013 and 0.00014; TOPMed 0.00016.
gnomAD v4.1: 161 of 1,612,894 alleles (0.01%); highest among the groups gnomAD compares: Middle Eastern, 0.07%; no homozygotes.

Submissions (4):

Labcorp Genetics (formerly Invitae), Labcorp
Classification: Likely benign for Ehlers-Danlos syndrome, dermatosparaxis type. Last evaluated: 2025-09-25. Review status: criteria provided, single submitter. Criteria: Invitae Variant Classification Sherloc (09022015). Collection method: clinical testing. Allele origin: germline.

Women's Health and Genetics/Laboratory Corporation of America, LabCorp
Classification: Likely benign. Last evaluated: 2025-04-09. Review status: criteria provided, single submitter. Criteria: LabCorp Variant Classification Summary - May 2015. Collection method: clinical testing. Allele origin: germline.

Blueprint Genetics
Classification: Likely benign. Last evaluated: 2024-05-28. Review status: criteria provided, single submitter. Criteria: ACMG Guidelines, 2015. Collection method: clinical testing. Allele origin: germline.

GeneDx
Classification: Likely benign. Last evaluated: 2018-03-01. Review status: criteria provided, single submitter. Criteria: GeneDx Variant Classification (06012015). Collection method: clinical testing. Allele origin: germline. Affected: yes.
Comment: This variant is considered likely benign or benign based on one or more of the following criteria: it is a conservative change, it occurs at a poorly conserved position in the protein, it is predicted to be benign by multiple in silico algorithms, and/or has population frequency not consistent with disease.

NM_014244.5(ADAMTS2):c.2290+16G>A

Gene: ADAMTS2 (ADAM metallopeptidase with thrombospondin type 1 motif 2; minus strand). Cytogenetic location: 5q35.3.
Variant type: single nucleotide variant.
Coding change: c.2290+16G>A on transcript NM_014244.5 (MANE Select); 16 bases into the intron after coding-DNA position 2290, G replaced by A.
Molecular consequence: intron variant.
Genome position (GRCh38, 1-based): chr5:179,132,214, C>T on the plus strand (G>A on the coding strand, the complement: ADAMTS2 is on the minus strand). VCF-style: chr5-179132214-C-T. GRCh37 (hg19) VCF-style: chr5-178559215-C-T.
Identifiers: ClinVar variation 515843 (VCV000515843.12), dbSNP rs377081338, ClinGen allele CA3595605.